The following is an entry in ClinVar:

NM_014319.5(LEMD3):c.310C>T (p.Pro104Ser)

Genes: LEMD3 (LEM domain containing 3; plus strand), LOC130008224 (ATAC-STARR-seq lymphoblastoid silent region 4630; plus strand). Cytogenetic location: 12q14.3.
Variant type: single nucleotide variant.
Coding change: c.310C>T on transcript NM_014319.5 (MANE Select); coding-DNA position 310, C replaced by T.
Protein change: p.Pro104Ser; replaces proline 104 with serine.
Molecular consequence: missense variant.
Genome position (GRCh38, 1-based): chr12:65,169,906, C>T. VCF-style: chr12-65169906-C-T. GRCh37 (hg19) VCF-style: chr12-65563686-C-T.
Other names: c.310C>T, p.Pro104Ser (NM_001167614.2); short protein forms P104S.
Identifiers: ClinVar variation 3677523 (VCV003677523.2).

ClinVar aggregate classification (germline): Uncertain significance (1 of 4 stars; one submission).

Submission:

Labcorp Genetics (formerly Invitae), Labcorp
Classification: Uncertain significance. Last evaluated: 2024-08-01. Review status: criteria provided, single submitter. Criteria: Invitae Variant Classification Sherloc (09022015). Collection method: clinical testing. Allele origin: germline.
Comment: This sequence change replaces proline, which is neutral and non-polar, with serine, which is neutral and polar, at codon 104 of the LEMD3 protein (p.Pro104Ser). This variant is present in population databases (no rsID available, gnomAD 0.006%). This variant has not been reported in the literature in individuals affected with LEMD3-related conditions. An algorithm developed to predict the effect of missense changes on protein structure and function (PolyPhen-2) suggests that this variant is likely to be disruptive. In summary, the available evidence is currently insufficient to determine the role of this variant in disease. Therefore, it has been classified as a Variant of Uncertain Significance.